The following is an entry in ClinVar:

NM_001394531.1(WDFY4):c.1142A>G (p.Lys381Arg)

Gene: WDFY4 (WDFY family member 4; plus strand). Cytogenetic location: 10q11.23.
Variant type: single nucleotide variant.
Coding change: c.1142A>G on transcript NM_001394531.1 (MANE Select); coding-DNA position 1142, A replaced by G.
Protein change: p.Lys381Arg; replaces lysine 381 with arginine.
Molecular consequence: missense variant.
Genome position (GRCh38, 1-based): chr10:48,731,122, A>G. VCF-style: chr10-48731122-A-G. GRCh37 (hg19) VCF-style: chr10-49939167-A-G.
Other names: c.1142A>G, p.Lys381Arg (NM_001370153.1, NM_001370154.1, NM_020945.2); short protein forms K381R.
Identifiers: ClinVar variation 3344976 (VCV003344976.1).
Genomic context (GRCh38, chr10:48,731,122, plus strand): 5'-ACAGGCAGGAGAAATGACTTGTAAGATCATTCTTGTTTTCCTCCTCAGGGGTGACTGTTA[A>G]GAATCTTCAGGCCTTCCAGGTCCTACAGAATGTTTTCCACAAAGCCAGTGACTCTGTCCT-3'
Protein context (NP_001381460.1, residues 371-391): FHHEASGVTV[Lys381Arg]NLQAFQVLQN

ClinVar aggregate classification (germline): Uncertain significance (0 of 4 stars; one submission).

Conditions:
WDFY4-related disorder. Also called: WDFY4-related condition.

gnomAD v4.1: 5 of 1,543,918 alleles (0.00032%); highest among the groups gnomAD compares: Non-Finnish European, 0.00044%; no homozygotes.

Submission:

PreventionGenetics, part of Exact Sciences
Classification: Uncertain significance for WDFY4-related condition. Last evaluated: 2024-09-04. Review status: no assertion criteria provided. Collection method: clinical testing. Allele origin: germline.
Comment: The WDFY4 c.1142A>G variant is predicted to result in the amino acid substitution p.Lys381Arg. To our knowledge, this variant has not been reported in the literature or in a large population database, indicating this variant is rare. At this time, the clinical significance of this variant is uncertain due to the absence of conclusive functional and genetic evidence.